The following is an entry in ClinVar:

ClinVar aggregate classification (germline): Likely benign (1 of 4 stars; one submission).

Submission:

CeGaT Center for Human Genetics Tuebingen
Classification: Likely benign. Last evaluated: 2026-09-01. Review status: criteria provided, single submitter. Criteria: CeGaT Center For Human Genetics Tuebingen Variant Classification Criteria Version 2. Collection method: clinical testing. Allele origin: germline. Affected: yes. Observed: 2 variant alleles.
Comment: SHANK3: BP4, BP7

NM_001372044.2(SHANK3):c.625C>T (p.Leu209=)

Gene: SHANK3 (SH3 and multiple ankyrin repeat domains 3; plus strand). Cytogenetic location: 22q13.33.
Variant type: single nucleotide variant.
Coding change: c.625C>T on transcript NM_001372044.2 (MANE Select); coding-DNA position 625, C replaced by T.
Protein change: p.Leu209=; no amino-acid change (leucine 209 retained).
Molecular consequence: synonymous variant.
Genome position (GRCh38, 1-based): chr22:50,678,645, C>T. VCF-style: chr22-50678645-C-T. GRCh37 (hg19) VCF-style: chr22-51117073-C-T.
Identifiers: ClinVar variation 4085895 (VCV004085895.8).